The following is an entry in ClinVar:

NM_002691.4(POLD1):c.1760T>C (p.Ile587Thr)

Gene: POLD1 (DNA polymerase delta 1, catalytic subunit; plus strand). Cytogenetic location: 19q13.33.
Variant type: single nucleotide variant.
Coding change: c.1760T>C on transcript NM_002691.4 (MANE Select); coding-DNA position 1760, T replaced by C.
Protein change: p.Ile587Thr; replaces isoleucine 587 with threonine.
Molecular consequence: missense variant. On other transcripts: non-coding transcript variant (1).
Genome position (GRCh38, 1-based): chr19:50,407,400, T>C. VCF-style: chr19-50407400-T-C. GRCh37 (hg19) VCF-style: chr19-50910657-T-C.
Other names: c.1760T>C, p.Ile587Thr (NM_001256849.1, NM_001308632.1); short protein forms I587T.
Identifiers: ClinVar variation 3781421 (VCV003781421.1).
Genomic context (GRCh38, chr19:50,407,400, plus strand): 5'-GGCTGCTGATGCCCGTGGTGAAGTCAGAGGGCGGCGAGGACTACACGGGAGCCACTGTCA[T>C]CGAGCCCCTCAAAGGGTGAGGCCCCAGGCTGGGTGCAGTTTTTACCTGTAATCTCTGGGA-3'
Protein context (NP_002682.2, residues 577-597): GGEDYTGATV[Ile587Thr]EPLKGYYDVP

ClinVar aggregate classification (germline): Uncertain significance (1 of 4 stars; one submission).

Conditions:
Hereditary cancer-predisposing syndrome. Also called: Neoplastic Syndromes, Hereditary; Hereditary Cancer Syndrome; Tumor predisposition; Hereditary neoplastic syndrome. Identifiers: Orphanet 140162, MedGen C0027672, MeSH D009386, MONDO:0015356.

Submission:

Ambry Genetics
Classification: Uncertain significance for Hereditary cancer-predisposing syndrome. Last evaluated: 2025-03-10. Review status: criteria provided, single submitter. Criteria: Ambry Variant Classification Scheme 2023. Collection method: clinical testing. Allele origin: germline.
Comment: The p.I587T variant (also known as c.1760T>C), located in coding exon 13 of the POLD1 gene, results from a T to C substitution at nucleotide position 1760. The isoleucine at codon 587 is replaced by threonine, an amino acid with similar properties. This amino acid position is conserved. In addition, this alteration is predicted to be deleterious by in silico analysis. Based on the available evidence, the clinical significance of this variant remains unclear.